The following is an entry in ClinVar:

ClinVar aggregate classification (germline): Uncertain significance (1 of 4 stars; one submission).

Conditions:
PLXNA3-related neurodevelopmental disorder.

Submission:

Clinical Genomics Laboratory, Washington University in St. Louis
Classification: Uncertain significance for PLXNA3-related neurodevelopmental disorder. Last evaluated: 2024-10-01. Review status: criteria provided, single submitter. Criteria: ACMG Guidelines, 2015. Collection method: clinical testing. Allele origin: germline.
Comment: The PLXNA3 c.2683G>A (p.Val895Met) variant, to our knowledge, has not been reported in the medical literature and is only observed on 1/180,567 alleles in the general population (gnomAD v.2.1.1), indicating it is not a common variant. Computational predictors indicate that the variant is damaging, evidence that correlates with impact to plexin-A3 function. Due to limited information, the clinical significance of this variant is uncertain.

NM_017514.5(PLXNA3):c.2683G>A (p.Val895Met)

Gene: PLXNA3 (plexin A3; plus strand). Cytogenetic location: Xq28.
Variant type: single nucleotide variant.
Coding change: c.2683G>A on transcript NM_017514.5 (MANE Select); coding-DNA position 2683, G replaced by A.
Protein change: p.Val895Met; replaces valine 895 with methionine.
Molecular consequence: missense variant.
Genome position (GRCh38, 1-based): chrX:154,466,154, G>A. VCF-style: chrX-154466154-G-A. GRCh37 (hg19) VCF-style: chrX-153694497-G-A.
Other names: short protein forms V895M.
Identifiers: ClinVar variation 3600506 (VCV003600506.1).